The following is an entry in ClinVar:

ClinVar aggregate classification (germline): Uncertain significance (1 of 4 stars; one submission).

Conditions:
Sulfite oxidase deficiency due to molybdenum cofactor deficiency type C. Also called: Molybdenum cofactor deficiency, complementation group C; Molybdenum cofactor deficiency C. Identifiers: Orphanet 308400, Orphanet 833, MedGen C1854990, MONDO:0014212, OMIM 615501.

Allele frequency attached by ClinVar (database versions not stated): gnomAD 0.00001.
gnomAD v4.1: 1 of 1,608,032 alleles (0.000062%); highest among the groups gnomAD compares: Admixed American, 0.0017%; no homozygotes.

Submission:

Labcorp Genetics (formerly Invitae), Labcorp
Classification: Uncertain significance for Sulfite oxidase deficiency due to molybdenum cofactor deficiency type C. Last evaluated: 2022-10-17. Review status: criteria provided, single submitter. Criteria: Invitae Variant Classification Sherloc (09022015). Collection method: clinical testing. Allele origin: germline.
Comment: Advanced modeling of protein sequence and biophysical properties (such as structural, functional, and spatial information, amino acid conservation, physicochemical variation, residue mobility, and thermodynamic stability) performed at Invitae indicates that this missense variant is not expected to disrupt GPHN protein function. ClinVar contains an entry for this variant (Variation ID: 1380153). This variant has not been reported in the literature in individuals affected with GPHN-related conditions. This variant is not present in population databases (gnomAD no frequency). This sequence change replaces isoleucine, which is neutral and non-polar, with valine, which is neutral and non-polar, at codon 602 of the GPHN protein (p.Ile602Val). In summary, the available evidence is currently insufficient to determine the role of this variant in disease. Therefore, it has been classified as a Variant of Uncertain Significance.

NM_020806.5(GPHN):c.1804A>G (p.Ile602Val)

Gene: GPHN (gephyrin; plus strand). Cytogenetic location: 14q23.3.
Variant type: single nucleotide variant.
Coding change: c.1804A>G on transcript NM_020806.5 (MANE Select); coding-DNA position 1804, A replaced by G.
Protein change: p.Ile602Val; replaces isoleucine 602 with valine.
Molecular consequence: missense variant.
Genome position (GRCh38, 1-based): chr14:67,143,417, A>G. VCF-style: chr14-67143417-A-G. GRCh37 (hg19) VCF-style: chr14-67610134-A-G.
Other names: c.1705A>G, p.Ile569Val (NM_001024218.2); c.1864A>G, p.Ile622Val (NM_001377514.1); c.1834A>G, p.Ile612Val (NM_001377515.1); c.1825A>G, p.Ile609Val (NM_001377516.1); c.1777A>G, p.Ile593Val (NM_001377517.1); c.1762A>G, p.Ile588Val (NM_001377518.1); c.1744A>G, p.Ile582Val (NM_001377519.1); short protein forms I593V, I602V, I612V, I582V, I609V, I622V, I569V, I588V.
Identifiers: ClinVar variation 1380153 (VCV001380153.6), dbSNP rs756165409, ClinGen allele CA390259611.